The following is an entry in ClinVar:

NM_001271.4(CHD2):c.4358C>T (p.Pro1453Leu)

Gene: CHD2 (chromodomain helicase DNA binding protein 2; plus strand). Cytogenetic location: 15q26.1.
Variant type: single nucleotide variant.
Coding change: c.4358C>T on transcript NM_001271.4 (MANE Select); coding-DNA position 4358, C replaced by T.
Protein change: p.Pro1453Leu; replaces proline 1453 with leucine.
Molecular consequence: missense variant.
Genome position (GRCh38, 1-based): chr15:93,004,696, C>T. VCF-style: chr15-93004696-C-T. GRCh37 (hg19) VCF-style: chr15-93547926-C-T.
Other names: short protein forms P1453L.
Identifiers: ClinVar variation 4855456 (VCV004855456.1).
Genomic context (GRCh38, chr15:93,004,696, plus strand): 5'-AATCTTCGAGTAAATCAAAGCGATCTCAGGGTCCTGTCCATATTACAGCAGGAAGTGAAC[C>T]TGTCCCCATTGGAGAGGATGAGGATGATGATCTGGACCAGGAGACATTCAGCATAGTAAG-3'
Protein context (NP_001262.3, residues 1443-1463): GPVHITAGSE[Pro1453Leu]VPIGEDEDDD

ClinVar aggregate classification (germline): Uncertain significance (1 of 4 stars; one submission).

Conditions:
Developmental and epileptic encephalopathy 94 (DEE94). Also called: Epileptic encephalopathy, childhood-onset; CHD2-Related Neurodevelopmental Disorders. Identifiers: Orphanet 1942, Orphanet 2382, MedGen C3809278, MONDO:0014150, OMIM 615369.

Submission:

3billion
Classification: Uncertain significance for Developmental and epileptic encephalopathy 94. Last evaluated: 2025-09-13. Review status: criteria provided, single submitter. Criteria: ACMG Guidelines, 2015. Collection method: clinical testing. Allele origin: germline. Affected: yes.
Comment: The variant is not observed in the gnomAD v4.1.0 dataset. Predicted Consequence/Location: Missense variant In silico tool predictions suggest damaging effect of the variant on gene or gene product [REVEL: 0.64 (>=0.6, sensitivity 0.68 and specificity 0.92)]. Therefore, this variant is classified as VUS according to the recommendation of ACMG/AMP guideline.